The following is an entry in ClinVar:

ClinVar aggregate classification (germline): Uncertain significance (1 of 4 stars; one submission).

Conditions:
Ullrich congenital muscular dystrophy 2 (UCMD2). Identifiers: Orphanet 75840, MedGen C4225314, MONDO:0014654, OMIM 616470.
Bethlem myopathy 2 (BTHLM2). Identifiers: Orphanet 536516, Orphanet 610, MedGen C4225313, MONDO:0034022, OMIM 616471.

Submission:

Labcorp Genetics (formerly Invitae), Labcorp
Classification: Uncertain significance for Bethlem myopathy 2; Ullrich congenital muscular dystrophy 2. Last evaluated: 2025-01-24. Review status: criteria provided, single submitter. Criteria: Invitae Variant Classification Sherloc (09022015). Collection method: clinical testing. Allele origin: germline.
Comment: This variant, c.2328_2330del, results in the deletion of 1 amino acid(s) of the COL12A1 protein (p.Arg777del), but otherwise preserves the integrity of the reading frame. This variant is present in population databases (rs775970450, gnomAD 0.007%). This variant has not been reported in the literature in individuals affected with COL12A1-related conditions. Experimental studies and prediction algorithms are not available or were not evaluated, and the functional significance of this variant is currently unknown. In summary, the available evidence is currently insufficient to determine the role of this variant in disease. Therefore, it has been classified as a Variant of Uncertain Significance.

NM_004370.6(COL12A1):c.2322GAG[2] (p.Arg777del)

Gene: COL12A1 (collagen type XII alpha 1 chain; minus strand). Cytogenetic location: 6q13.
Variant type: Microsatellite.
Coding change: c.2322GAG[2] on transcript NM_004370.6 (MANE Select); two copies in a row of the 3-base unit GAG starting at c.2322; the reference has three copies in a row; one copy, 3 bases deleted.
Protein change: p.Arg777del; deletes arginine 777.
Molecular consequence: inframe deletion. On other transcripts: intron variant (2).
Genome position (GRCh38, 1-based): chr6:75,177,770-75,177,772, CTC deleted on the plus strand (GAG on the coding strand, the reverse complement: COL12A1 is on the minus strand); deleting any 3 consecutive bases within chr6:75,177,770-75,177,778 gives the same sequence; the position shown is the placement nearest the transcript's 3' end. VCF-style (leftmost placement, unchanged base first): chr6-75177769-TCTC-T. GRCh37 (hg19) VCF-style: chr6-75887485-TCTC-T.
Other names: c.2322GAG[2], p.Arg777del (NM_001424113.1, NM_001424114.1, NM_001424115.1); c.73+24942GAG[2] (NM_001424116.1, NM_080645.3); short protein forms R777del.
Identifiers: ClinVar variation 2930462 (VCV002930462.3), dbSNP rs775970450, ClinGen allele CA3894003.